The following is an entry in ClinVar:

NM_006245.4(PPP2R5D):c.6C>T (p.Pro2=)

Genes: PPP2R5D (protein phosphatase 2 regulatory subunit B'delta; plus strand), LOC129996483 (ATAC-STARR-seq lymphoblastoid silent region 17211; plus strand). Cytogenetic location: 6p21.1.
Variant type: single nucleotide variant.
Coding change: c.6C>T on transcript NM_006245.4 (MANE Select); coding-DNA position 6, C replaced by T.
Protein change: p.Pro2=; no amino-acid change (proline 2 retained).
Molecular consequence: synonymous variant. On other transcripts: 5 prime UTR variant (1).
Genome position (GRCh38, 1-based): chr6:42,984,683, C>T. VCF-style: chr6-42984683-C-T. GRCh37 (hg19) VCF-style: chr6-42952421-C-T.
Other names: c.-465C>T (NM_001270476.2); c.6C>T, p.Pro2= (NM_180976.3, NM_180977.3).
Identifiers: ClinVar variation 1309172 (VCV001309172.2), dbSNP rs2150245527, ClinGen allele CA450254978.
Genomic context (GRCh38, chr6:42,984,683, plus strand): 5'-AAAGCCGGAGCCGGAGCGGGGCCGCAGGAGACGGGCCGGGTCCGGACGGGCCGAGATGCC[C>T]TATAAACTGAAAAAGGAGAAGGTGAGCGTGGCCCTTTTTCCCCCACCGCCGCCTTGGAGC-3'
Protein context (NP_006236.1, residues 1-12): M[Pro2=]YKLKKEKEPP

ClinVar aggregate classification (germline): Uncertain significance (1 of 4 stars; one submission).

gnomAD v4.1: 1 of 1,611,226 alleles (0.000062%); highest among the groups gnomAD compares: Non-Finnish European, 0.000085%; no homozygotes.

Submission:

GeneDx
Classification: Uncertain significance. Last evaluated: 2019-10-07. Review status: criteria provided, single submitter. Criteria: GeneDx Variant Classification Process June 2021. Collection method: clinical testing. Allele origin: germline. Affected: yes.
Comment: Has not been previously published as pathogenic or benign to our knowledge; Not observed in large population cohorts (Lek et al., 2016); In silico analysis, which includes splice predictors and evolutionary conservation, supports that this variant does not alter protein structure/function